The following is an entry in ClinVar:

ClinVar aggregate classification (germline): Uncertain significance. Review status: criteria provided, multiple submitters, no conflicts (2 of 4 stars). 2 submissions from 2 submitters: Uncertain significance (2). Last evaluated 2023-05-15.

Conditions:
Inborn genetic diseases. Identifiers: MedGen C0950123, MeSH D030342.

Allele frequency attached by ClinVar (database versions not stated): gnomAD exomes below 0.00001; gnomAD 0.00002; TOPMed 0.00003.
gnomAD v4.1: 4 of 1,210,241 alleles (0.00033%); highest among the groups gnomAD compares: African/African-American, 0.0052%; no homozygotes.

Submissions (2):

GeneDx
Classification: Uncertain significance. Last evaluated: 2023-05-15. Review status: criteria provided, single submitter. Criteria: GeneDx Variant Classification Process June 2021. Collection method: clinical testing. Allele origin: germline. Affected: yes.
Comment: In silico analysis supports that this missense variant does not alter protein structure/function; Has not been previously published as pathogenic or benign to our knowledge

Ambry Genetics
Classification: Uncertain significance for Inborn genetic diseases. Last evaluated: 2017-04-17. Review status: criteria provided, single submitter. Criteria: Ambry Variant Classification Scheme 2023. Collection method: clinical testing. Allele origin: germline.
Comment: The p.V279A variant (also known as c.836T>C), located in coding exon 2 of the PTCHD1 gene, results from a T to C substitution at nucleotide position 836. The valine at codon 279 is replaced by alanine, an amino acid with similar properties. This amino acid position is well conserved in available vertebrate species. In addition, the in silico prediction for this alteration is inconclusive. Since supporting evidence is limited at this time, the clinical significance of this alteration remains unclear.

NM_173495.3(PTCHD1):c.836T>C (p.Val279Ala)

Gene: PTCHD1 (patched domain containing 1; plus strand). Cytogenetic location: Xp22.11.
Variant type: single nucleotide variant.
Coding change: c.836T>C on transcript NM_173495.3 (MANE Select); coding-DNA position 836, T replaced by C.
Protein change: p.Val279Ala; replaces valine 279 with alanine.
Molecular consequence: missense variant.
Genome position (GRCh38, 1-based): chrX:23,380,075, T>C. VCF-style: chrX-23380075-T-C. GRCh37 (hg19) VCF-style: chrX-23398192-T-C.
Other names: short protein forms V279A.
Identifiers: ClinVar variation 589762 (VCV000589762.6), dbSNP rs969176888, ClinGen allele CA327633889.